The following is an entry in ClinVar:

ClinVar aggregate classification (germline): Uncertain significance. Review status: criteria provided, multiple submitters, no conflicts (2 of 4 stars). 2 submissions from 2 submitters: Uncertain significance (2). Last evaluated 2025-12-12.

Conditions:
VPS13B-related disorder. Also called: VPS13B-related condition.
Cohen syndrome (COH1). Also called: PEPPER SYNDROME; Cutis verticis gyrata, retinitis pigmentosa, and sensorineural deafness. Identifiers: Orphanet 193, MedGen C0265223, MONDO:0008999, OMIM 216550.

Allele frequency attached by ClinVar (database versions not stated): TOPMed below 0.00001; gnomAD 0.00001; gnomAD exomes 0.00001; ExAC 0.00002.
gnomAD v4.1: 11 of 1,613,862 alleles (0.00068%); highest among the groups gnomAD compares: Middle Eastern, 0.016%; no homozygotes.

Submissions (2):

Labcorp Genetics (formerly Invitae), Labcorp
Classification: Uncertain significance for Cohen syndrome. Last evaluated: 2025-12-12. Review status: criteria provided, single submitter. Criteria: Invitae Variant Classification Sherloc (09022015). Collection method: clinical testing. Allele origin: germline.
Comment: This sequence change replaces threonine, which is neutral and polar, with alanine, which is neutral and non-polar, at codon 3246 of the VPS13B protein (p.Thr3246Ala). This variant is present in population databases (rs756048204, gnomAD 0.004%). This variant has not been reported in the literature in individuals affected with VPS13B-related conditions. ClinVar contains an entry for this variant (Variation ID: 2150214). Invitae Evidence Modeling of protein sequence and biophysical properties (such as structural, functional, and spatial information, amino acid conservation, physicochemical variation, residue mobility, and thermodynamic stability) indicates that this missense variant is not expected to disrupt VPS13B protein function with a negative predictive value of 80%. In summary, the available evidence is currently insufficient to determine the role of this variant in disease. Therefore, it has been classified as a Variant of Uncertain Significance.

PreventionGenetics, part of Exact Sciences
Classification: Uncertain significance for VPS13B-related condition. Last evaluated: 2025-05-28. Review status: criteria provided, single submitter. Criteria: ACMG Guidelines, 2015. Collection method: clinical testing. Allele origin: germline.
Comment: The VPS13B c.9661A>G variant is predicted to result in the amino acid substitution p.Thr3221Ala. To our knowledge, this variant has not been reported in the literature. This variant is reported in 0.0039% of alleles in individuals of European (non-Finnish) descent in gnomAD. At this time, the clinical significance of this variant is uncertain due to the absence of conclusive functional and genetic evidence.

NM_152564.5(VPS13B):c.9661A>G (p.Thr3221Ala)

Gene: VPS13B (vacuolar protein sorting 13 homolog B; plus strand). Cytogenetic location: 8q22.2.
Variant type: single nucleotide variant.
Coding change: c.9661A>G on transcript NM_152564.5 (MANE Select); coding-DNA position 9661, A replaced by G.
Protein change: p.Thr3221Ala; replaces threonine 3221 with alanine.
Molecular consequence: missense variant.
Genome position (GRCh38, 1-based): chr8:99,835,243, A>G. VCF-style: chr8-99835243-A-G. GRCh37 (hg19) VCF-style: chr8-100847471-A-G.
Other names: c.9736A>G, p.Thr3246Ala (NM_017890.5); short protein forms T3221A, T3246A.
Identifiers: ClinVar variation 2150214 (VCV002150214.5), dbSNP rs756048204, ClinGen allele CA4824761.